The following is an entry in ClinVar:

ClinVar aggregate classification (germline): Uncertain significance. Review status: criteria provided, multiple submitters, no conflicts (2 of 4 stars). 2 submissions from 2 submitters: Uncertain significance (2). Last evaluated 2026-01-18.

Conditions:
Inborn genetic diseases. Identifiers: MedGen C0950123, MeSH D030342.

Allele frequency attached by ClinVar (database versions not stated): gnomAD exomes 0.00001; ExAC 0.00002; gnomAD 0.00002 and 0.00001; TOPMed 0.00003; 1000 Genomes Project 0.00020; 1000 Genomes Project 30x 0.00031.
gnomAD v4.1: 16 of 1,609,898 alleles (0.00099%); highest among the groups gnomAD compares: East Asian, 0.0022%; no homozygotes.

Submissions (2):

Labcorp Genetics (formerly Invitae), Labcorp
Classification: Uncertain significance. Last evaluated: 2026-01-18. Review status: criteria provided, single submitter. Criteria: Invitae Variant Classification Sherloc (09022015). Collection method: clinical testing. Allele origin: germline.
Comment: This sequence change replaces alanine, which is neutral and non-polar, with valine, which is neutral and non-polar, at codon 901 of the LONP1 protein (p.Ala901Val). This variant is present in population databases (rs562878082, gnomAD 0.007%). This variant has not been reported in the literature in individuals affected with LONP1-related conditions. ClinVar contains an entry for this variant (Variation ID: 1522670). Invitae Evidence Modeling of protein sequence and biophysical properties (such as structural, functional, and spatial information, amino acid conservation, physicochemical variation, residue mobility, and thermodynamic stability) indicates that this missense variant is expected to disrupt LONP1 protein function with a positive predictive value of 95%. In summary, the available evidence is currently insufficient to determine the role of this variant in disease. Therefore, it has been classified as a Variant of Uncertain Significance.

Ambry Genetics
Classification: Uncertain significance for Inborn genetic diseases. Last evaluated: 2021-09-30. Review status: criteria provided, single submitter. Criteria: Ambry Variant Classification Scheme 2023. Collection method: clinical testing. Allele origin: germline.

NM_004793.4(LONP1):c.2702C>T (p.Ala901Val)

Gene: LONP1 (lon peptidase 1, mitochondrial; minus strand). Cytogenetic location: 19p13.3.
Variant type: single nucleotide variant.
Coding change: c.2702C>T on transcript NM_004793.4 (MANE Select); coding-DNA position 2702, C replaced by T.
Protein change: p.Ala901Val; replaces alanine 901 with valine.
Molecular consequence: missense variant. On other transcripts: non-coding transcript variant (1).
Genome position (GRCh38, 1-based): chr19:5,693,299, G>A on the plus strand (C>T on the coding strand, the complement: LONP1 is on the minus strand). VCF-style: chr19-5693299-G-A. GRCh37 (hg19) VCF-style: chr19-5693310-G-A.
Other names: c.2702C>T (NM_004793.2); c.2510C>T, p.Ala837Val (NM_001276479.2); c.2114C>T, p.Ala705Val (NM_001276480.1); short protein forms A705V, A901V, A837V.
Identifiers: ClinVar variation 1522670 (VCV001522670.9), dbSNP rs562878082, ClinGen allele CA9114023.